The following is an entry in ClinVar:

NM_000059.4(BRCA2):c.1687T>C (p.Trp563Arg)

Gene: BRCA2 (BRCA2 DNA repair associated; plus strand). Cytogenetic location: 13q13.1.
Variant type: single nucleotide variant.
Coding change: c.1687T>C on transcript NM_000059.4 (MANE Select); coding-DNA position 1687, T replaced by C.
Protein change: p.Trp563Arg; replaces tryptophan 563 with arginine.
Molecular consequence: missense variant. On other transcripts: non-coding transcript variant (1), intron variant (1).
Genome position (GRCh38, 1-based): chr13:32,333,165, T>C. VCF-style: chr13-32333165-T-C. GRCh37 (hg19) VCF-style: chr13-32907302-T-C.
Other names: c.1687T>C, p.Trp563Arg (NM_001406719.1, NM_001406720.1, NM_001406721.1); c.424+2135T>C (NM_001406722.1); short protein forms W563R.
Identifiers: ClinVar variation 3075619 (VCV003075619.1), dbSNP rs2548520813, ClinGen allele CA387765171.

ClinVar aggregate classification (germline): Uncertain significance (1 of 4 stars; one submission).

Conditions:
Breast-ovarian cancer, familial, susceptibility to, 2 (BROVCA2). Also called: BRCA2 Hereditary Breast and Ovarian Cancer. Identifiers: Orphanet 145, MedGen C2675520, MONDO:0012933, OMIM 612555. Disease mechanism: loss of function.

Submission:

All of Us Research Program, National Institutes of Health
Classification: Uncertain significance for Breast-ovarian cancer, familial, susceptibility to, 2. Last evaluated: 2023-04-10. Review status: criteria provided, single submitter. Criteria: ACMG Guidelines, 2015. Collection method: clinical testing. Allele origin: germline. Inheritance: Autosomal dominant inheritance. Observed: 1 variant allele, 1 heterozygote.
Comment: This missense variant replaces tryptophan with arginine at codon 563 of the BRCA2 protein. Computational prediction suggests that this variant may not impact protein structure and function (internally defined REVEL score threshold <= 0.5, PMID: 27666373). To our knowledge, functional studies have not been reported for this variant. This variant has not been reported in individuals affected with hereditary cancer in the literature and has been reported in 1 unaffected individual (PMID: 33471991; Leiden Open Variation Database DB-ID BRCA2_007867). This variant has not been identified in the general population by the Genome Aggregation Database (gnomAD). The available evidence is insufficient to determine the role of this variant in disease conclusively. Therefore, this variant is classified as a Variant of Uncertain Significance.

This study involves interpretation of variants in research participants for the purpose of population health screening. Participant phenotype was not available at the time of variant classification. Additional details can be found in publication PMID: 35346344, PMCID: PMC8962531

Literature cited by the submitters: PubMed 33471991.